The following is an entry in ClinVar:

ClinVar aggregate classification (germline): Pathogenic (1 of 4 stars; one submission).

Conditions:
Familial isolated arrhythmogenic right ventricular dysplasia. Identifiers: Orphanet 217656, MedGen C4274968, MONDO:0016342.

Submission:

Molecular Genetics, Royal Melbourne Hospital
Classification: Pathogenic for Familial isolated arrhythmogenic right ventricular dysplasia. Last evaluated: 2024-09-08. Review status: criteria provided, single submitter. Criteria: ACMG Guidelines, 2015. Collection method: clinical testing. Allele origin: germline. Inheritance: Autosomal dominant inheritance.
Comment: This sequence change in DSC2 is a frameshift variant predicted to create a premature stop codon, p.(Thr216Argfs*18), in biologically relevant exon 6/16 leading to nonsense-mediated decay in a gene in which loss-of-function is an established disease mechanism (PMID: 23863954; 17033975; 23911551). Loss-of-function variants are a well-established cause of disease in exon 6 (ClinVar). This variant is absent from the population database gnomAD v4.1. To our knowledge, this variant is novel and has not been previously reported in the relevant scientific literature or databases. Based on the classification scheme RMH Modified ACMG/AMP Guidelines v1.7.0, this variant is classified as PATHOGENIC. Following criteria are met: PVS1, PM2_Supporting, PM5_Supporting

Literature cited by the submitters: PubMed 23863954.

NM_024422.6(DSC2):c.647_654del (p.Thr216fs)

Gene: DSC2 (desmocollin 2; minus strand). Cytogenetic location: 18q12.1.
Variant type: Deletion.
Coding change: c.647_654del on transcript NM_024422.6 (MANE Select); coding-DNA positions 647 to 654, 8 bases deleted (CAACTCCA; older notation c.647_654delCAACTCCA).
Protein change: p.Thr216fs; shifts the reading frame from threonine 216.
Molecular consequence: frameshift variant.
Genome position (GRCh38, 1-based): chr18:31,087,790-31,087,797, TGGAGTTG deleted on the plus strand (CAACTCCA on the coding strand, the reverse complement: DSC2 is on the minus strand); deleting any 8 consecutive bases within chr18:31,087,790-31,087,798 gives the same sequence; the c. name uses the placement nearest the transcript's 3' end. VCF-style (leftmost placement, unchanged base first): chr18-31087789-CTGGAGTTG-C. GRCh37 (hg19) VCF-style: chr18-28667752-CTGGAGTTG-C.
Other names: c.218_225del, p.Thr73fs (NM_001406506.1, NM_001406507.1); c.647_654del, p.Thr216fs (NM_004949.5); c.647_654delCAACTCCA (NM_024422.6); short protein forms T216fs, T73fs.
Identifiers: ClinVar variation 3773770 (VCV003773770.1).